The following is an entry in ClinVar:

ClinVar aggregate classification (germline): Likely benign. Review status: criteria provided, multiple submitters, no conflicts (2 of 4 stars). 3 submissions from 3 submitters: Likely benign (2). 1 of the submissions does not count toward it. Last evaluated 2024-09-30.

Conditions:
WNT7A-related disorder. Also called: WNT7A-related condition.

Allele frequency attached by ClinVar (database versions not stated): TOPMed 0.00010; gnomAD 0.00015; gnomAD exomes 0.00025; ESP Exome Variant Server 0.00031; ExAC 0.00035.
gnomAD v4.1: 386 of 1,612,364 alleles (0.024%); highest among the groups gnomAD compares: Non-Finnish European, 0.026%; 1 homozygote.

Submissions (3):

Labcorp Genetics (formerly Invitae), Labcorp
Classification: Likely benign. Last evaluated: 2024-09-30. Review status: criteria provided, single submitter. Criteria: Invitae Variant Classification Sherloc (09022015). Collection method: clinical testing. Allele origin: germline.

Blueprint Genetics
Classification: Likely benign. Last evaluated: 2024-09-16. Review status: criteria provided, single submitter. Criteria: ACMG Guidelines, 2015. Collection method: clinical testing. Allele origin: germline.

PreventionGenetics, part of Exact Sciences
Classification: Likely benign for WNT7A-related condition. Last evaluated: 2019-02-26. Review status: no assertion criteria provided. Collection method: clinical testing. Allele origin: germline. Not counted in ClinVar's aggregate classification.
Comment: This variant is classified as likely benign based on ACMG/AMP sequence variant interpretation guidelines (Richards et al. 2015 PMID: 25741868, with internal and published modifications).

NM_004625.4(WNT7A):c.25C>T (p.Leu9=)

Gene: WNT7A (Wnt family member 7A; minus strand). Cytogenetic location: 3p25.1.
Variant type: single nucleotide variant.
Coding change: c.25C>T on transcript NM_004625.4 (MANE Select); coding-DNA position 25, C replaced by T.
Protein change: p.Leu9=; no amino-acid change (leucine 9 retained).
Molecular consequence: synonymous variant.
Genome position (GRCh38, 1-based): chr3:13,879,792, G>A on the plus strand (C>T on the coding strand, the complement: WNT7A is on the minus strand). VCF-style: chr3-13879792-G-A. GRCh37 (hg19) VCF-style: chr3-13921289-G-A.
Identifiers: ClinVar variation 2066787 (VCV002066787.7), dbSNP rs145718587, ClinGen allele CA2266606.
Genomic context (GRCh38, chr3:13,879,792, plus strand): 5'-CAGGCAGCCCTTACCCGATCCGGAGGTAGACCATGCCCAGGCTGAGAAAGAGGTGGCCCA[G>A]GCAGCGCCGCGCTTTCCGGTTCATAGTCCCGATTGGCCGCCGGGGCCGCGGGCCGGGCTG-3'
Protein context (NP_004616.2, residues 1-19): MNRKARRC[Leu9=]GHLFLSLGMV